The following is an entry in ClinVar:

NM_000214.3(JAG1):c.775G>T (p.Gly259Cys)

Gene: JAG1 (jagged canonical Notch ligand 1; minus strand). Cytogenetic location: 20p12.2.
Variant type: single nucleotide variant.
Coding change: c.775G>T on transcript NM_000214.3 (MANE Select); coding-DNA position 775, G replaced by T.
Protein change: p.Gly259Cys; replaces glycine 259 with cysteine.
Molecular consequence: missense variant.
Genome position (GRCh38, 1-based): chr20:10,652,579, C>A on the plus strand (G>T on the coding strand, the complement: JAG1 is on the minus strand). VCF-style: chr20-10652579-C-A. GRCh37 (hg19) VCF-style: chr20-10633227-C-A.
Other names: short protein forms G259C.
Identifiers: ClinVar variation 3573094 (VCV003573094.2).

Conditions:
Arteriohepatic dysplasia. Also called: Alagille Syndrome. Identifiers: Orphanet 52, MedGen C0085280, MeSH D016738, MONDO:0007318.

Submission:

Gilbert/Spinner Lab, Children's Hospital of Philadelphia
No classification provided (evidence only). Condition: Alagille syndrome. Review status: no classification provided. Collection method: research. Allele origin: not applicable. Functional consequence: functionally_abnormal.
ClinVar note: "not provided" was previously submitted as the classification for the variant. However, the classification appeared to be based only on an observation of functional data so it was converted to no classification on 2025-07-30.